The following is an entry in ClinVar:

NM_001308093.3(GATA4):c.347C>G (p.Ser116Cys)

Gene: GATA4 (GATA binding protein 4). Cytogenetic location: 8p23.1.
Variant type: single nucleotide variant.
Coding change: c.347C>G on transcript NM_001308093.3 (MANE Select); coding-DNA position 347, C replaced by G.
Protein change: p.Ser116Cys; replaces serine 116 with cysteine.
Molecular consequence: missense variant. On other transcripts: intron variant (3).
Genome position (GRCh38, 1-based): chr8:11,708,659, C>G. VCF-style: chr8-11708659-C-G. GRCh37 (hg19) VCF-style: chr8-11566168-C-G.
Other names: c.347C>G, p.Ser116Cys (NM_002052.5); c.-6+7881C>G (NM_001308094.2); c.-3+645C>G (NM_001374274.1); c.-3+4355C>G (NM_001374273.1); short protein forms S116C.
Identifiers: ClinVar variation 3369428 (VCV003369428.1).
Genomic context (GRCh38, chr8:11,708,659, plus strand): 5'-GAGCCGCTTACACCCCGCCGCCGGTGTCGCCGCGCTTCTCCTTCCCGGGGACCACCGGGT[C>G]CCTGGCGGCCGCCGCCGCCGCTGCCGCGGCCCGGGAAGCTGCGGCCTACAGCAGTGGCGG-3'
Protein context (NP_001295022.1, residues 106-126): PRFSFPGTTG[Ser116Cys]LAAAAAAAAA

ClinVar aggregate classification (germline): Uncertain significance (1 of 4 stars; one submission).

Submission:

GeneDx
Classification: Uncertain significance. Last evaluated: 2024-02-20. Review status: criteria provided, single submitter. Criteria: GeneDx Variant Classification Process June 2021. Collection method: clinical testing. Allele origin: germline. Affected: yes.
Comment: Not observed at significant frequency in large population cohorts (gnomAD); In silico analysis supports that this missense variant does not alter protein structure/function; Has not been previously published as pathogenic or benign to our knowledge